The following is an entry in ClinVar:

ClinVar aggregate classification (germline): Uncertain significance (1 of 4 stars; one submission).

Submission:

Labcorp Genetics (formerly Invitae), Labcorp
Classification: Uncertain significance. Last evaluated: 2022-04-07. Review status: criteria provided, single submitter. Criteria: Invitae Variant Classification Sherloc (09022015). Collection method: clinical testing. Allele origin: germline.
Comment: This sequence change replaces valine, which is neutral and non-polar, with glutamic acid, which is acidic and polar, at codon 93 of the DGAT1 protein (p.Val93Glu). This variant is not present in population databases (gnomAD no frequency). This variant has not been reported in the literature in individuals affected with DGAT1-related conditions. Algorithms developed to predict the effect of missense changes on protein structure and function are either unavailable or do not agree on the potential impact of this missense change (SIFT: "Deleterious"; PolyPhen-2: "Probably Damaging"; Align-GVGD: "Class C15"). Algorithms developed to predict the effect of sequence changes on RNA splicing suggest that this variant may disrupt the consensus splice site. In summary, the available evidence is currently insufficient to determine the role of this variant in disease. Therefore, it has been classified as a Variant of Uncertain Significance.

NM_012079.6(DGAT1):c.278T>A (p.Val93Glu)

Gene: DGAT1 (diacylglycerol O-acyltransferase 1; minus strand). Cytogenetic location: 8q24.3.
Variant type: single nucleotide variant.
Coding change: c.278T>A on transcript NM_012079.6 (MANE Select); coding-DNA position 278, T replaced by A.
Protein change: p.Val93Glu; replaces valine 93 with glutamic acid.
Molecular consequence: missense variant.
Genome position (GRCh38, 1-based): chr8:144,321,331, A>T on the plus strand (T>A on the coding strand, the complement: DGAT1 is on the minus strand). VCF-style: chr8-144321331-A-T. GRCh37 (hg19) VCF-style: chr8-145544994-A-T.
Other names: short protein forms V93E.
Identifiers: ClinVar variation 1970457 (VCV001970457.2), dbSNP rs782205654, ClinGen allele CA372612982.